The following is an entry in ClinVar:

ClinVar aggregate classification (germline): Pathogenic. Review status: criteria provided, single submitter (1 of 4 stars). 2 submissions from 2 submitters: Pathogenic (1). 1 of the submissions does not count toward it. Last evaluated 2024-04-17.

Conditions:
IHH-related disorder. Also called: IHH-related condition.

Submissions (2):

Labcorp Genetics (formerly Invitae), Labcorp
Classification: Pathogenic. Last evaluated: 2024-04-17. Review status: criteria provided, single submitter. Criteria: Invitae Variant Classification Sherloc (09022015). Collection method: clinical testing. Allele origin: germline.
Comment: This sequence change affects the initiator methionine of the IHH mRNA. The next in-frame methionine is located at codon 103. This variant is not present in population databases (gnomAD no frequency). This variant has not been reported in the literature in individuals affected with IHH-related conditions. ClinVar contains an entry for this variant (Variation ID: 1385830). This variant disrupts a region of the IHH protein in which other variant(s) (p.Glu58Lys) have been determined to be pathogenic (PMID: 29155992). This suggests that this is a clinically significant region of the protein, and that variants that disrupt it are likely to be disease-causing. For these reasons, this variant has been classified as Pathogenic.

PreventionGenetics, part of Exact Sciences
Classification: Uncertain significance for IHH-related condition. Last evaluated: 2023-12-22. Review status: no assertion criteria provided. Collection method: clinical testing. Allele origin: germline. Not counted in ClinVar's aggregate classification.
Comment: The IHH c.2T>A variant is predicted to disrupt the translation initiation site (Start loss). To our knowledge, this variant has not been reported in the literature or in a large population database, indicating this variant is rare. Although we suspect that this variant may be pathogenic, at this time, the clinical significance of this variant is uncertain due to the absence of conclusive functional and genetic evidence.

Literature cited by the submitters: PubMed 29155992 (cited by Labcorp Genetics (formerly Invitae), Labcorp).

NM_002181.4(IHH):c.2T>A (p.Met1Lys)

Gene: IHH (Indian hedgehog signaling molecule; minus strand). Cytogenetic location: 2q35.
Variant type: single nucleotide variant.
Coding change: c.2T>A on transcript NM_002181.4 (MANE Select); coding-DNA position 2, T replaced by A.
Protein change: p.Met1Lys; changes the start codon (methionine 1).
Molecular consequence: missense variant, initiator codon variant.
Genome position (GRCh38, 1-based): chr2:219,060,466, A>T on the plus strand (T>A on the coding strand, the complement: IHH is on the minus strand). VCF-style: chr2-219060466-A-T. GRCh37 (hg19) VCF-style: chr2-219925188-A-T.
Other names: c.2T>A (NM_002181.3); short protein forms M1K.
Identifiers: ClinVar variation 1385830 (VCV001385830.10), dbSNP rs1948871509, ClinGen allele CA350637843.